The following is an entry in ClinVar:

ClinVar aggregate classification (germline): Uncertain significance (1 of 4 stars; one submission).

Submission:

Labcorp Genetics (formerly Invitae), Labcorp
Classification: Uncertain significance. Last evaluated: 2024-10-23. Review status: criteria provided, single submitter. Criteria: Invitae Variant Classification Sherloc (09022015). Collection method: clinical testing. Allele origin: germline.
Comment: This sequence change replaces alanine, which is neutral and non-polar, with threonine, which is neutral and polar, at codon 11 of the IL12RB2 protein (p.Ala11Thr). This variant is not present in population databases (gnomAD no frequency). This variant has not been reported in the literature in individuals affected with IL12RB2-related conditions. An algorithm developed to predict the effect of missense changes on protein structure and function outputs the following: PolyPhen-2: "Benign". The threonine amino acid residue is found in multiple mammalian species, which suggests that this missense change does not adversely affect protein function. In summary, the available evidence is currently insufficient to determine the role of this variant in disease. Therefore, it has been classified as a Variant of Uncertain Significance.

NM_001374259.2(IL12RB2):c.31G>A (p.Ala11Thr)

Gene: IL12RB2 (interleukin 12 receptor subunit beta 2; plus strand). Cytogenetic location: 1p31.3.
Variant type: single nucleotide variant.
Coding change: c.31G>A on transcript NM_001374259.2 (MANE Select); coding-DNA position 31, G replaced by A.
Protein change: p.Ala11Thr; replaces alanine 11 with threonine.
Molecular consequence: missense variant. On other transcripts: non-coding transcript variant (2).
Genome position (GRCh38, 1-based): chr1:67,320,399, G>A. VCF-style: chr1-67320399-G-A. GRCh37 (hg19) VCF-style: chr1-67786082-G-A.
Other names: c.31G>A, p.Ala11Thr (NM_001258214.1, NM_001258215.1, NM_001258216.1 and 2 more transcripts); short protein forms A11T.
Identifiers: ClinVar variation 3673757 (VCV003673757.2).